The following is an entry in ClinVar:

NM_000051.4(ATM):c.52_54dup (p.Asp18dup)

Gene: ATM (ATM serine/threonine kinase; plus strand). Cytogenetic location: 11q22.3.
Variant type: Duplication.
Coding change: c.52_54dup on transcript NM_000051.4 (MANE Select); coding-DNA positions 52 to 54, 3 bases duplicated (GAT; older notation c.52_54dupGAT).
Protein change: p.Asp18dup; duplicates aspartic acid 18.
Molecular consequence: inframe insertion.
Genome position (GRCh38, 1-based): chr11:108,227,676-108,227,678, GAT duplicated; duplicating any 3 consecutive bases within chr11:108,227,674-108,227,678 gives the same sequence; the c. name uses the placement nearest the transcript's 3' end. VCF-style (leftmost placement, unchanged base first): chr11-108227673-C-CATG. GRCh37 (hg19) VCF-style: chr11-108098400-C-CATG.
Other names: c.52_54dup, p.Asp18dup (NM_001351834.2, NM_001351835.2, NM_001351836.2).
Identifiers: ClinVar variation 1524468 (VCV001524468.8), dbSNP rs2135005981, ClinGen allele CA2573146397.
Genomic context (GRCh38, chr11:108,227,673, plus strand): 5'-AAATTGTGAACCATGAGTCTAGTACTTAATGATCTGCTTATCTGCTGCCGTCAACTAGAA[C>CATG]ATGATAGAGCTACAGAACGAAAGGTAGTAAATTACTTAAATTCAATTTTTCCTTGAAATA-3'

ClinVar aggregate classification (germline): Uncertain significance (1 of 4 stars; one submission).

Conditions:
Ataxia-telangiectasia syndrome (AT). Also called: Ataxia-telangiectasia, complementation group E; Cerebello-oculocutaneous telangiectasia; Immunodeficiency with ataxia telangiectasia; ATAXIA-TELANGIECTASIA, COMPLEMENTATION GROUP A; ATAXIA-TELANGIECTASIA, FRESNO VARIANT; Ataxia-telangiectasia, complementation group D. Identifiers: Orphanet 100, MedGen C0004135, MONDO:0008840, OMIM 208900.

Submission:

Labcorp Genetics (formerly Invitae), Labcorp
Classification: Uncertain significance for Ataxia-telangiectasia syndrome. Last evaluated: 2021-04-09. Review status: criteria provided, single submitter. Criteria: Invitae Variant Classification Sherloc (09022015). Collection method: clinical testing. Allele origin: germline.
Comment: This variant, c.52_54dup, results in the insertion of 1 amino acid(s) to the ATM protein (p.Asp18dup), but otherwise preserves the integrity of the reading frame. This variant is not present in population databases (ExAC no frequency). This variant has not been reported in the literature in individuals with ATM-related conditions. Experimental studies and prediction algorithms are not available or were not evaluated, and the functional significance of this variant is currently unknown. In summary, the available evidence is currently insufficient to determine the role of this variant in disease. Therefore, it has been classified as a Variant of Uncertain Significance.